The following is an entry in ClinVar:

ClinVar aggregate classification (germline): Conflicting classifications of pathogenicity. Review status: criteria provided, conflicting classifications (1 of 4 stars). 7 submissions from 6 submitters: Uncertain significance (5); Benign (1); Likely benign (1). Last evaluated 2026-04-01.

Conditions:
Inflammatory bowel disease 1 (IBD1). Also called: INFLAMMATORY BOWEL DISEASE (CROHN DISEASE) 1; Inflammatory bowel disease 1, Crohn disease. Identifiers: MedGen CN260071, MONDO:0009960, OMIM 266600.
Blau syndrome (BLAUS). Also called: ARTHROCUTANEOUVEAL GRANULOMATOSIS; GRANULOMATOSIS, FAMILIAL JUVENILE SYSTEMIC; GRANULOMATOSIS, FAMILIAL, BLAU TYPE; GRANULOMATOUS INFLAMMATORY ARTHRITIS, DERMATITIS, AND UVEITIS, FAMILIAL; JABS SYNDROME. Identifiers: Orphanet 90340, MedGen C5201146, MONDO:0008523, OMIM 186580.
Regional enteritis. Also called: Enteritis, Granulomatous. Identifiers: MedGen C0678202, MeSH D003424.
Inborn genetic diseases. Identifiers: MedGen C0950123, MeSH D030342.

Allele frequency attached by ClinVar (database versions not stated): ExAC 0.00002; gnomAD exomes 0.00002 and 0.00004; TOPMed 0.00003; gnomAD 0.00004 and 0.00005; 1000 Genomes Project 30x 0.00016; 1000 Genomes Project 0.00020.
gnomAD v4.1: 39 of 1,614,236 alleles (0.0024%); highest among the groups gnomAD compares: South Asian, 0.0055%; no homozygotes.

Submissions (7):

CeGaT Center for Human Genetics Tuebingen
Classification: Likely benign. Last evaluated: 2026-04-01. Review status: criteria provided, single submitter. Criteria: CeGaT Center For Human Genetics Tuebingen Variant Classification Criteria Version 2. Collection method: clinical testing. Allele origin: germline. Affected: yes. Observed: 1 variant allele.
Comment: NOD2: PM2:Supporting, BP4, BP5

Labcorp Genetics (formerly Invitae), Labcorp
Classification: Uncertain significance for Regional enteritis; Blau syndrome. Last evaluated: 2025-08-16. Review status: criteria provided, single submitter. Criteria: Invitae Variant Classification Sherloc (09022015). Collection method: clinical testing. Allele origin: germline.
Comment: This sequence change replaces threonine, which is neutral and polar, with methionine, which is neutral and non-polar, at codon 229 of the NOD2 protein (p.Thr229Met). This variant is present in population databases (rs529640892, gnomAD 0.02%). This variant has not been reported in the literature in individuals affected with NOD2-related conditions. ClinVar contains an entry for this variant (Variation ID: 886159). Invitae Evidence Modeling of protein sequence and biophysical properties (such as structural, functional, and spatial information, amino acid conservation, physicochemical variation, residue mobility, and thermodynamic stability) indicates that this missense variant is not expected to disrupt NOD2 protein function with a negative predictive value of 95%. In summary, the available evidence is currently insufficient to determine the role of this variant in disease. Therefore, it has been classified as a Variant of Uncertain Significance.

ARUP Laboratories, Molecular Genetics and Genomics, ARUP Laboratories
Classification: Uncertain significance. Last evaluated: 2024-09-20. Review status: criteria provided, single submitter. Criteria: ARUP Molecular Germline Variant Investigation Process 2024. Collection method: clinical testing. Allele origin: germline.
Comment: The NOD2 c.686C>T; p.Thr229Met variant (rs529640892), to our knowledge, is not reported in the medical literature but is reported in ClinVar (Variation ID: 886159). This variant is observed in the general population with an overall allele frequency of 0.004% (12/282880 alleles) in the Genome Aggregation Database (v2.1.1). Computational analyses predict that this variant is neutral (REVEL: 0.03). Due to limited information, the clinical significance of this variant is uncertain at this time.

Ambry Genetics
Classification: Uncertain significance for Inborn genetic diseases. Last evaluated: 2023-07-19. Review status: criteria provided, single submitter. Criteria: Ambry Variant Classification Scheme 2023. Collection method: clinical testing. Allele origin: germline.

GeneDx
Classification: Uncertain significance. Last evaluated: 2023-03-11. Review status: criteria provided, single submitter. Criteria: GeneDx Variant Classification Process June 2021. Collection method: clinical testing. Allele origin: germline. Affected: yes.
Comment: In silico analysis supports that this missense variant does not alter protein structure/function; Has not been previously published as pathogenic or benign to our knowledge

Illumina Laboratory Services, Illumina
Classification: Benign for Blau syndrome. Last evaluated: 2018-01-13. Review status: criteria provided, single submitter. Criteria: ICSL Variant Classification Criteria 13 December 2019. Collection method: clinical testing. Allele origin: germline.
Comment: This variant was observed in the ICSL laboratory as part of a predisposition screen in an ostensibly healthy population. It had not been previously curated by ICSL or reported in the Human Gene Mutation Database (HGMD: prior to June 1st, 2018), and was therefore a candidate for classification through an automated scoring system. Utilizing variant allele frequency, disease prevalence and penetrance estimates, and inheritance mode, an automated score was calculated to assess if this variant is too frequent to cause the disease. Based on the score and internal cut-off values, a variant classified as benign is not then subjected to further curation. The score for this variant resulted in a classification of benign for this disease.

Illumina Laboratory Services, Illumina
Classification: Uncertain significance for Inflammatory bowel disease 1. Last evaluated: 2018-01-13. Review status: criteria provided, single submitter. Criteria: ICSL Variant Classification Criteria 13 December 2019. Collection method: clinical testing. Allele origin: germline.

NM_001370466.1(NOD2):c.605C>T (p.Thr202Met)

Gene: NOD2 (nucleotide binding oligomerization domain containing 2; plus strand). Cytogenetic location: 16q12.1.
Variant type: single nucleotide variant.
Coding change: c.605C>T on transcript NM_001370466.1 (MANE Select); coding-DNA position 605, C replaced by T.
Protein change: p.Thr202Met; replaces threonine 202 with methionine.
Molecular consequence: missense variant. On other transcripts: non-coding transcript variant (1).
Genome position (GRCh38, 1-based): chr16:50,710,597, C>T. VCF-style: chr16-50710597-C-T. GRCh37 (hg19) VCF-style: chr16-50744508-C-T.
Other names: c.605C>T, p.Thr202Met (NM_001293557.2); c.686C>T, p.Thr229Met (NM_022162.3); short protein forms T202M, T229M.
Identifiers: ClinVar variation 886159 (VCV000886159.16), dbSNP rs529640892, ClinGen allele CA8051374.
Genomic context (GRCh38, chr16:50,710,597, plus strand): 5'-GCCTCTTCTTCTGCCTTCCAGCTGCCACATGCAAGAAGTATATGGCCAAGCTGAGGACCA[C>T]GGTGTCTGCTCAGTCTCGCTTCCTCAGTACCTATGATGGAGCAGAGACGCTCTGCCTGGA-3'
Protein context (NP_001357395.1, residues 192-212): CKKYMAKLRT[Thr202Met]VSAQSRFLST